The following is an entry in ClinVar:

NM_014915.3(ANKRD26):c.1871C>T (p.Thr624Ile)

Gene: ANKRD26 (ankyrin repeat domain containing 26; minus strand). Cytogenetic location: 10p12.1.
Variant type: single nucleotide variant.
Coding change: c.1871C>T on transcript NM_014915.3 (MANE Select); coding-DNA position 1871, C replaced by T.
Protein change: p.Thr624Ile; replaces threonine 624 with isoleucine.
Molecular consequence: missense variant.
Genome position (GRCh38, 1-based): chr10:27,046,467, G>A on the plus strand (C>T on the coding strand, the complement: ANKRD26 is on the minus strand). VCF-style: chr10-27046467-G-A. GRCh37 (hg19) VCF-style: chr10-27335396-G-A.
Other names: c.1868C>T, p.Thr623Ile (NM_001256053.2); short protein forms T624I, T623I.
Identifiers: ClinVar variation 4103169 (VCV004103169.1).
Genomic context (GRCh38, chr10:27,046,467, plus strand): 5'-AGGCCACCAGTTAGTAAACTGGCCTTCCCAAACACTGGTGAATTCACAGATTCTTTCGAG[G>A]TCCGTTTTTCTTTTTCAGTGCTCTTTACTTCCTTCATTTGCAAGGCAGGACCACTACTTT-3'
Protein context (NP_055730.2, residues 614-634): EVKSTEKEKR[Thr624Ile]SKESVNSPVF

ClinVar aggregate classification (germline): Uncertain significance (1 of 4 stars; one submission).

Conditions:
Inborn genetic diseases. Identifiers: MedGen C0950123, MeSH D030342.

Submission:

Ambry Genetics
Classification: Uncertain significance for Inborn genetic diseases. Last evaluated: 2025-06-30. Review status: criteria provided, single submitter. Criteria: Ambry Variant Classification Scheme 2023. Collection method: clinical testing. Allele origin: germline.
Comment: The p.T624I variant (also known as c.1871C>T), located in coding exon 18 of the ANKRD26 gene, results from a C to T substitution at nucleotide position 1871. The threonine at codon 624 is replaced by isoleucine, an amino acid with similar properties. This amino acid position is conserved. In addition, this alteration is predicted to be tolerated by in silico analysis. Based on the available evidence, the clinical significance of this variant remains unclear.